The following is an entry in ClinVar:

ClinVar aggregate classification (germline): Conflicting classifications of pathogenicity. Review status: criteria provided, conflicting classifications (1 of 4 stars). 3 submissions from 3 submitters: Uncertain significance (2); Likely benign (1). Last evaluated 2024-12-03.

Conditions:
FAT1-related disorder. Also called: FAT1-related condition.

Allele frequency attached by ClinVar (database versions not stated): ESP Exome Variant Server 0.00016; gnomAD 0.00016 and 0.00022; gnomAD exomes 0.00021 and 0.00034; TOPMed 0.00023; ExAC 0.00038; 1000 Genomes Project 30x 0.00062; 1000 Genomes Project 0.00080.
gnomAD v4.1: 342 of 1,613,892 alleles (0.021%); highest among the groups gnomAD compares: South Asian, 0.18%; 2 homozygotes.

Submissions (4):

Labcorp Genetics (formerly Invitae), Labcorp
Classification: Likely benign. Last evaluated: 2024-12-03. Review status: criteria provided, single submitter. Criteria: Invitae Variant Classification Sherloc (09022015). Collection method: clinical testing. Allele origin: germline.

GeneDx
Classification: Uncertain significance. Last evaluated: 2024-09-25. Review status: criteria provided, single submitter. Criteria: GeneDx Variant Classification Process June 2021. Collection method: clinical testing. Allele origin: germline. Affected: yes.
Comment: Has not been previously published as pathogenic or benign to our knowledge; In silico analysis indicates that this missense variant does not alter protein structure/function; In silico analysis supports a deleterious effect on splicing

Department of Pathology and Laboratory Medicine, Sinai Health System
Classification: Uncertain significance for FAT1-related disorder. Last evaluated: 2020-06-25. Review status: criteria provided, single submitter. Criteria: ACMG Guidelines, 2015. Collection method: research. Allele origin: germline.

Dr. Peter K. Rogan Lab, Western University
No classification provided (evidence only). Condition: Familial pancreatic carcinoma. Review status: no classification provided. Collection method: in vitro. Allele origin: not applicable. Functional consequence: retained intron. Not counted in ClinVar's aggregate classification.

NM_005245.4(FAT1):c.11720A>G (p.Asn3907Ser)

Gene: FAT1 (FAT atypical cadherin 1; minus strand). Cytogenetic location: 4q35.2.
Variant type: single nucleotide variant.
Coding change: c.11720A>G on transcript NM_005245.4 (MANE Select); coding-DNA position 11720, A replaced by G.
Protein change: p.Asn3907Ser; replaces asparagine 3907 with serine.
Molecular consequence: missense variant.
Genome position (GRCh38, 1-based): chr4:186,600,281, T>C on the plus strand (A>G on the coding strand, the complement: FAT1 is on the minus strand). VCF-style: chr4-186600281-T-C. GRCh37 (hg19) VCF-style: chr4-187521435-T-C.
Other names: short protein forms N3907S.
Identifiers: ClinVar variation 1303348 (VCV001303348.9), dbSNP rs200662687, ClinGen allele CA3165026.